The following is an entry in ClinVar:

ClinVar aggregate classification (germline): Uncertain significance (1 of 4 stars; one submission).

Conditions:
Familial cold autoinflammatory syndrome 3 (FCAS3). Also called: FAMILIAL ATYPICAL COLD URTICARIA; ANTIBODY DEFICIENCY AND IMMUNE DYSREGULATION, PLCG2-ASSOCIATED. Identifiers: Orphanet 300359, MedGen C3280914, MONDO:0013766, OMIM 614468.

Allele frequency attached by ClinVar (database versions not stated): TOPMed below 0.00001; ExAC 0.00002.
gnomAD v4.1: 3 of 1,614,092 alleles (0.00019%); highest among the groups gnomAD compares: East Asian, 0.0022%; no homozygotes.

Submission:

Labcorp Genetics (formerly Invitae), Labcorp
Classification: Uncertain significance for Familial cold autoinflammatory syndrome 3. Last evaluated: 2024-11-04. Review status: criteria provided, single submitter. Criteria: Invitae Variant Classification Sherloc (09022015). Collection method: clinical testing. Allele origin: germline.
Comment: This sequence change replaces glycine, which is neutral and non-polar, with arginine, which is basic and polar, at codon 231 of the PLCG2 protein (p.Gly231Arg). This variant is present in population databases (rs763759934, gnomAD 0.006%). This variant has not been reported in the literature in individuals affected with PLCG2-related conditions. ClinVar contains an entry for this variant (Variation ID: 2821958). An algorithm developed to predict the effect of missense changes on protein structure and function (PolyPhen-2) suggests that this variant is likely to be tolerated. In summary, the available evidence is currently insufficient to determine the role of this variant in disease. Therefore, it has been classified as a Variant of Uncertain Significance.

NM_002661.5(PLCG2):c.691G>C (p.Gly231Arg)

Gene: PLCG2 (phospholipase C gamma 2; plus strand). Cytogenetic location: 16q23.3.
Variant type: single nucleotide variant.
Coding change: c.691G>C on transcript NM_002661.5 (MANE Select); coding-DNA position 691, G replaced by C.
Protein change: p.Gly231Arg; replaces glycine 231 with arginine.
Molecular consequence: missense variant.
Genome position (GRCh38, 1-based): chr16:81,880,952, G>C. VCF-style: chr16-81880952-G-C. GRCh37 (hg19) VCF-style: chr16-81914557-G-C.
Other names: c.691G>C, p.Gly231Arg (NM_001425749.1, NM_001425750.1, NM_001425751.1); short protein forms G231R.
Identifiers: ClinVar variation 2821958 (VCV002821958.3), dbSNP rs763759934, ClinGen allele CA8193356.